The following is an entry in ClinVar:

ClinVar aggregate classification (germline): Uncertain significance (1 of 4 stars; one submission).

Submission:

Labcorp Genetics (formerly Invitae), Labcorp
Classification: Uncertain significance. Last evaluated: 2022-11-01. Review status: criteria provided, single submitter. Criteria: Invitae Variant Classification Sherloc (09022015). Collection method: clinical testing. Allele origin: unknown.
Comment: This variant is a gross deletion of the genomic region encompassing exon(s) 7-12 of the C8B gene, which includes the termination codon. This deletion extends beyond the assayed region for this gene and therefore may encompass additional genes. While this deletion is not anticipated to lead to nonsense mediated decay, it is expected to alter mRNA translation or result in a truncated protein product. In summary, the available evidence is currently insufficient to determine the role of this variant in disease. Therefore, it has been classified as a Variant of Uncertain Significance. Experimental studies and prediction algorithms are not available or were not evaluated, and the functional significance of this variant is currently unknown. This variant has not been reported in the literature in individuals affected with C8B-related conditions.

NC_000001.10:g.(?_57320575)_(57411754_?)del

Genes: C8A (complement C8 alpha chain; plus strand), C8B (complement C8 beta chain; minus strand). Cytogenetic location: 1p32.2.
Variant type: Deletion.
Identifiers: ClinVar variation 3247870 (VCV003247870.1).